The following is an entry in ClinVar:

NM_000260.4(MYO7A):c.972del (p.Ile325fs)

Gene: MYO7A (myosin VIIA; plus strand). Cytogenetic location: 11q13.5.
Variant type: Deletion.
Coding change: c.972del on transcript NM_000260.4 (MANE Select); coding-DNA position 972, one base deleted (C; older notation c.972delC).
Protein change: p.Ile325fs; shifts the reading frame from isoleucine 325.
Molecular consequence: frameshift variant.
Genome position (GRCh38, 1-based): chr11:77,158,399, C deleted; the last of 2 consecutive C bases (chr11:77,158,398-77,158,399); deleting either gives the same sequence. VCF-style (leftmost placement, unchanged base first): chr11-77158397-GC-G. GRCh37 (hg19) VCF-style: chr11-76869443-GC-G.
Other names: c.972del, p.Ile325fs (NM_001127180.2); c.939del, p.Ile314fs (NM_001369365.1); short protein forms I314fs, I325fs.
Identifiers: ClinVar variation 3601509 (VCV003601509.1).

ClinVar aggregate classification (germline): Pathogenic (1 of 4 stars; one submission).

Conditions:
Autosomal recessive nonsyndromic hearing loss 2. Also called: NEUROSENSORY NONSYNDROMIC RECESSIVE DEAFNESS 2; DEAFNESS, AUTOSOMAL RECESSIVE 2. Identifiers: Orphanet 90636, MedGen C1838701, MONDO:0010807, OMIM 600060.

Submission:

Institute of Rare Diseases, West China Hospital, Sichuan University
Classification: Pathogenic for Autosomal recessive nonsyndromic hearing loss 2. Last evaluated: 2025-01-09. Review status: criteria provided, single submitter. Criteria: ClinGen HL ACMG Specifications v1. Collection method: research. Allele origin: germline. Affected: yes.
Comment: PVS1;PM3;PM2_Supporting